The following is an entry in ClinVar:

ClinVar aggregate classification (germline): Uncertain significance (1 of 4 stars; one submission).

Submission:

Labcorp Genetics (formerly Invitae), Labcorp
Classification: Uncertain significance. Last evaluated: 2022-08-19. Review status: criteria provided, single submitter. Criteria: Invitae Variant Classification Sherloc (09022015). Collection method: clinical testing. Allele origin: germline.
Comment: In summary, the available evidence is currently insufficient to determine the role of this variant in disease. Therefore, it has been classified as a Variant of Uncertain Significance. Experimental studies and prediction algorithms are not available or were not evaluated, and the functional significance of this variant is currently unknown. ClinVar contains an entry for this variant (Variation ID: 1517093). This variant has not been reported in the literature in individuals affected with IL23R-related conditions. This variant is not present in population databases (gnomAD no frequency). This sequence change creates a premature translational stop signal (p.Pro580Phefs*4) in the IL23R gene. While this is not anticipated to result in nonsense mediated decay, it is expected to disrupt the last 50 amino acid(s) of the IL23R protein.

NM_144701.3(IL23R):c.1734_1737dup (p.Pro580fs)

Gene: IL23R (interleukin 23 receptor; plus strand). Cytogenetic location: 1p31.3.
Variant type: Duplication.
Coding change: c.1734_1737dup on transcript NM_144701.3 (MANE Select); coding-DNA positions 1734 to 1737, 4 bases duplicated (TTCA; older notation c.1734_1737dupTTCA).
Protein change: p.Pro580fs; shifts the reading frame from proline 580.
Molecular consequence: frameshift variant.
Genome position (GRCh38, 1-based): chr1:67,258,972-67,258,975, TTCA duplicated; duplicating any 4 consecutive bases within chr1:67,258,971-67,258,975 gives the same sequence; the c. name uses the placement nearest the transcript's 3' end. VCF-style (leftmost placement, unchanged base first): chr1-67258970-G-GATTC. GRCh37 (hg19) VCF-style: chr1-67724653-G-GATTC.
Other names: short protein forms P580fs.
Identifiers: ClinVar variation 1517093 (VCV001517093.6), dbSNP rs2100398583, ClinGen allele CA2573132499.